The following is an entry in ClinVar:

NM_206933.4(USH2A):c.9539G>C (p.Cys3180Ser)

Gene: USH2A (usherin; minus strand). Cytogenetic location: 1q41.
Variant type: single nucleotide variant.
Coding change: c.9539G>C on transcript NM_206933.4 (MANE Select); coding-DNA position 9539, G replaced by C.
Protein change: p.Cys3180Ser; replaces cysteine 3180 with serine.
Molecular consequence: missense variant.
Genome position (GRCh38, 1-based): chr1:215,817,028, C>G on the plus strand (G>C on the coding strand, the complement: USH2A is on the minus strand). VCF-style: chr1-215817028-C-G. GRCh37 (hg19) VCF-style: chr1-215990370-C-G.
Other names: c.9539G>C (NM_206933.2); short protein forms C3180S.
Identifiers: ClinVar variation 1061755 (VCV001061755.9), dbSNP rs1229658229, ClinGen allele CA344824197.

ClinVar aggregate classification (germline): Uncertain significance. Review status: criteria provided, multiple submitters, no conflicts (2 of 4 stars). 4 submissions from 4 submitters: Uncertain significance (3). 1 of the submissions does not count toward it. Last evaluated 2025-09-28.

Conditions:
Inborn genetic diseases. Identifiers: MedGen C0950123, MeSH D030342.
Usher syndrome type 2A. Also called: RETINAL DISEASE IN USHER SYNDROME TYPE IIA, MODIFIER OF; USHER SYNDROME, TYPE IIA. Identifiers: Orphanet 231178, Orphanet 886, MedGen C1848634, MONDO:0010169, OMIM 276901.

Allele frequency attached by ClinVar (database versions not stated): gnomAD 0.00001; gnomAD exomes 0.00001; TOPMed 0.00001.
gnomAD v4.1: 7 of 1,612,424 alleles (0.00043%); highest among the groups gnomAD compares: Non-Finnish European, 0.00051%; no homozygotes.

Submissions (4):

Ambry Genetics
Classification: Uncertain significance for Inborn genetic diseases. Last evaluated: 2025-09-28. Review status: criteria provided, single submitter. Criteria: Ambry Variant Classification Scheme 2023. Collection method: clinical testing. Allele origin: germline.

Labcorp Genetics (formerly Invitae), Labcorp
Classification: Uncertain significance. Last evaluated: 2022-07-26. Review status: criteria provided, single submitter. Criteria: Invitae Variant Classification Sherloc (09022015). Collection method: clinical testing. Allele origin: germline.
Comment: This sequence change replaces cysteine, which is neutral and slightly polar, with serine, which is neutral and polar, at codon 3180 of the USH2A protein (p.Cys3180Ser). This variant is present in population databases (no rsID available, gnomAD 0.002%). This variant has not been reported in the literature in individuals affected with USH2A-related conditions. ClinVar contains an entry for this variant (Variation ID: 1061755). Algorithms developed to predict the effect of missense changes on protein structure and function (SIFT, PolyPhen-2, Align-GVGD) all suggest that this variant is likely to be disruptive. In summary, the available evidence is currently insufficient to determine the role of this variant in disease. Therefore, it has been classified as a Variant of Uncertain Significance.

Blueprint Genetics
Classification: Uncertain significance. Last evaluated: 2022-04-29. Review status: criteria provided, single submitter. Criteria: ACMG Guidelines, 2015. Collection method: clinical testing. Allele origin: germline.

Natera, Inc.
Classification: Uncertain significance for Usher syndrome type 2A. Last evaluated: 2020-04-29. Review status: no assertion criteria provided. Collection method: clinical testing. Allele origin: germline. Not counted in ClinVar's aggregate classification.